The following is an entry in ClinVar:

NM_001365999.1(SZT2):c.1216C>T (p.Arg406Trp)

Gene: SZT2 (SZT2 subunit of KICSTOR complex; plus strand). Cytogenetic location: 1p34.2.
Variant type: single nucleotide variant.
Coding change: c.1216C>T on transcript NM_001365999.1 (MANE Select); coding-DNA position 1216, C replaced by T.
Protein change: p.Arg406Trp; replaces arginine 406 with tryptophan.
Molecular consequence: missense variant.
Genome position (GRCh38, 1-based): chr1:43,420,278, C>T. VCF-style: chr1-43420278-C-T. GRCh37 (hg19) VCF-style: chr1-43885949-C-T.
Other names: c.1216C>T, p.Arg406Trp (NM_015284.4); short protein forms R406W.
Identifiers: ClinVar variation 851536 (VCV000851536.6), dbSNP rs1024276350, ClinGen allele CA21628857.

ClinVar aggregate classification (germline): Uncertain significance. Review status: criteria provided, multiple submitters, no conflicts (2 of 4 stars). 2 submissions from 2 submitters: Uncertain significance (2). Last evaluated 2025-04-12.

Conditions:
Inborn genetic diseases. Identifiers: MedGen C0950123, MeSH D030342.

Allele frequency attached by ClinVar (database versions not stated): gnomAD exomes 0.00001 and below 0.00001; gnomAD 0.00003; TOPMed 0.00002.

Submissions (2):

Ambry Genetics
Classification: Uncertain significance for Inborn genetic diseases. Last evaluated: 2025-04-12. Review status: criteria provided, single submitter. Criteria: Ambry Variant Classification Scheme 2023. Collection method: clinical testing. Allele origin: germline.

Labcorp Genetics (formerly Invitae), Labcorp
Classification: Uncertain significance. Last evaluated: 2022-10-30. Review status: criteria provided, single submitter. Criteria: Invitae Variant Classification Sherloc (09022015). Collection method: clinical testing. Allele origin: germline.
Comment: In summary, the available evidence is currently insufficient to determine the role of this variant in disease. Therefore, it has been classified as a Variant of Uncertain Significance. Advanced modeling of protein sequence and biophysical properties (such as structural, functional, and spatial information, amino acid conservation, physicochemical variation, residue mobility, and thermodynamic stability) has been performed at Invitae for this missense variant, however the output from this modeling did not meet the statistical confidence thresholds required to predict the impact of this variant on SZT2 protein function. ClinVar contains an entry for this variant (Variation ID: 851536). This variant has not been reported in the literature in individuals affected with SZT2-related conditions. The frequency data for this variant in the population databases is considered unreliable, as metrics indicate poor data quality at this position in the gnomAD database. This sequence change replaces arginine, which is basic and polar, with tryptophan, which is neutral and slightly polar, at codon 406 of the SZT2 protein (p.Arg406Trp).